The following is an entry in ClinVar:

NM_003119.4(SPG7):c.1324+4542A>G

Gene: SPG7 (SPG7 matrix AAA peptidase subunit, paraplegin; plus strand). Cytogenetic location: 16q24.3.
Variant type: single nucleotide variant.
Coding change: c.1324+4542A>G on transcript NM_003119.4 (MANE Select); 4542 bases into the intron after coding-DNA position 1324, A replaced by G.
Molecular consequence: intron variant. On other transcripts: 3 prime UTR variant (1).
Genome position (GRCh38, 1-based): chr16:89,537,178, A>G. VCF-style: chr16-89537178-A-G. GRCh37 (hg19) VCF-style: chr16-89603586-A-G.
Other names: c.*268A>G (NM_199367.3); c.1324+4542A>G (NM_001363850.1).
Identifiers: ClinVar variation 684094 (VCV000684094.2), dbSNP rs382745, ClinGen allele CA14273846.
Genomic context (GRCh38, chr16:89,537,178, plus strand): 5'-CAGCCCTGCCGAGGTCCCAGGCCAGGCTTTGTTGCTTCCGTTCATGGAAGCGCACAGGAT[A>G]GGGCCGACGCTGTGCCGGTCGTGGGGAAATCTCACTGGGGAAGAGAAAAGCCCAAGCCTT-3'

ClinVar aggregate classification (germline): Benign. Review status: criteria provided, multiple submitters, no conflicts (2 of 4 stars). 2 submissions from 2 submitters: Benign (2). Last evaluated 2018-06-14.

Allele frequency attached by ClinVar (database versions not stated): gnomAD exomes 0.44420; gnomAD 0.46503 and 0.47086; TOPMed 0.47176; 1000 Genomes Project 30x 0.53342; 1000 Genomes Project 0.53874.
gnomAD v4.1: 647,975 of 1,445,254 alleles (45%); highest among the groups gnomAD compares: East Asian, 69%; 148,105 homozygotes.

Submissions (2):

GeneDx
Classification: Benign. Last evaluated: 2018-06-14. Review status: criteria provided, single submitter. Criteria: GeneDx Variant Classification (06012015). Collection method: clinical testing. Allele origin: germline. Affected: yes.
Comment: This variant is considered likely benign or benign based on one or more of the following criteria: it is a conservative change, it occurs at a poorly conserved position in the protein, it is predicted to be benign by multiple in silico algorithms, and/or has population frequency not consistent with disease.

Breakthrough Genomics
Classification: Benign. Review status: criteria provided, single submitter. Criteria: ACMG Guidelines, 2015. Collection method: not provided. Allele origin: germline. Inheritance: Autosomal recessive inheritance. Affected: yes.